The following is an entry in ClinVar:

ClinVar aggregate classification (germline): Benign. Review status: criteria provided, multiple submitters, no conflicts (2 of 4 stars). 4 submissions from 4 submitters: Benign (2). 2 of the submissions do not count toward it. Last evaluated 2026-01-27.

Conditions:
MYO5B-related disorder. Also called: MYO5B-related condition.
Inflammatory bowel disease 1 (IBD1). Also called: Inflammatory bowel disease 1, Crohn disease; INFLAMMATORY BOWEL DISEASE (CROHN DISEASE) 1. Identifiers: MedGen CN260071, MONDO:0009960, OMIM 266600.

Allele frequency attached by ClinVar (database versions not stated): gnomAD exomes 0.00013 and 0.00050; gnomAD 0.00021 and 0.00025; ExAC 0.00046; 1000 Genomes Project 0.00120; 1000 Genomes Project 30x 0.00125.
gnomAD v4.1: 223 of 1,614,128 alleles (0.014%); highest among the groups gnomAD compares: East Asian, 0.4%; no homozygotes.

Submissions (4):

Labcorp Genetics (formerly Invitae), Labcorp
Classification: Benign. Last evaluated: 2026-01-27. Review status: criteria provided, single submitter. Criteria: Invitae Variant Classification Sherloc (09022015). Collection method: clinical testing. Allele origin: germline.

Breakthrough Genomics
Classification: Benign. Review status: criteria provided, single submitter. Criteria: ACMG Guidelines, 2015. Collection method: not provided. Allele origin: germline. Inheritance: Autosomal recessive inheritance. Affected: yes.

PreventionGenetics, part of Exact Sciences
Classification: Likely benign for MYO5B-related condition. Last evaluated: 2022-05-25. Review status: no assertion criteria provided. Collection method: clinical testing. Allele origin: germline. Not counted in ClinVar's aggregate classification.
Comment: This variant is classified as likely benign based on ACMG/AMP sequence variant interpretation guidelines (Richards et al. 2015 PMID: 25741868, with internal and published modifications).

Gastroenterology Laboratory, Children's Hospital of Zhejiang University School of Medicine
Classification: Likely pathogenic for Inflammatory bowel disease 1. Review status: no assertion criteria provided. Collection method: provider interpretation. Allele origin: paternal. Affected: yes. Not counted in ClinVar's aggregate classification.

NM_001080467.3(MYO5B):c.4637C>T (p.Thr1546Met)

Genes: MYO5B (myosin VB; minus strand), SNHG22 (small nucleolar RNA host gene 22; plus strand). Cytogenetic location: 18q21.1.
Variant type: single nucleotide variant.
Coding change: c.4637C>T on transcript NM_001080467.3 (MANE Select); coding-DNA position 4637, C replaced by T.
Protein change: p.Thr1546Met; replaces threonine 1546 with methionine.
Molecular consequence: missense variant.
Genome position (GRCh38, 1-based): chr18:49,841,429, G>A on the plus strand (C>T on the coding strand, the complement: MYO5B is on the minus strand). VCF-style: chr18-49841429-G-A. GRCh37 (hg19) VCF-style: chr18-47367799-G-A.
Other names: c.4637C>T (NM_001080467.2); short protein forms T1546M.
Identifiers: ClinVar variation 1576458 (VCV001576458.13), dbSNP rs200907971, ClinGen allele CA8960276.